The following is an entry in ClinVar:

ClinVar aggregate classification (germline): Uncertain significance. Review status: criteria provided, multiple submitters, no conflicts (2 of 4 stars). 3 submissions from 3 submitters: Uncertain significance (3). Last evaluated 2024-02-26.

Conditions:
Charcot-Marie-Tooth disease type 4. Also called: Charcot-Marie-Tooth disease, type IV; Charcot-Marie-Tooth, Type 4. Identifiers: Orphanet 64749, MedGen C4082197, MONDO:0018995.
Inborn genetic diseases. Identifiers: MedGen C0950123, MeSH D030342.

Allele frequency attached by ClinVar (database versions not stated): gnomAD 0.00001; gnomAD exomes 0.00001; TOPMed 0.00001.
gnomAD v4.1: 14 of 1,614,020 alleles (0.00087%); highest among the groups gnomAD compares: South Asian, 0.0022%; no homozygotes.

Submissions (3):

Ambry Genetics
Classification: Uncertain significance for Inborn genetic diseases. Last evaluated: 2024-02-26. Review status: criteria provided, single submitter. Criteria: Ambry Variant Classification Scheme 2023. Collection method: clinical testing. Allele origin: germline.

Mayo Clinic Laboratories, Mayo Clinic
Classification: Uncertain significance. Last evaluated: 2022-01-12. Review status: criteria provided, single submitter. Criteria: ACMG Guidelines, 2015. Collection method: clinical testing. Allele origin: germline.

Labcorp Genetics (formerly Invitae), Labcorp
Classification: Uncertain significance for Charcot-Marie-Tooth disease type 4. Last evaluated: 2021-10-06. Review status: criteria provided, single submitter. Criteria: Invitae Variant Classification Sherloc (09022015). Collection method: clinical testing. Allele origin: germline.
Comment: This sequence change replaces arginine with cysteine at codon 1275 of the SBF2 protein (p.Arg1275Cys). The arginine residue is moderately conserved and there is a large physicochemical difference between arginine and cysteine. This variant is not present in population databases (ExAC no frequency). This variant has not been reported in the literature in individuals affected with SBF2-related conditions. Algorithms developed to predict the effect of missense changes on protein structure and function are either unavailable or do not agree on the potential impact of this missense change (SIFT: "Deleterious"; PolyPhen-2: "Probably Damaging"; Align-GVGD: "Class C0"). In summary, the available evidence is currently insufficient to determine the role of this variant in disease. Therefore, it has been classified as a Variant of Uncertain Significance.

NM_030962.4(SBF2):c.3823C>T (p.Arg1275Cys)

Gene: SBF2 (SET binding factor 2; minus strand). Cytogenetic location: 11p15.4.
Variant type: single nucleotide variant.
Coding change: c.3823C>T on transcript NM_030962.4 (MANE Select); coding-DNA position 3823, C replaced by T.
Protein change: p.Arg1275Cys; replaces arginine 1275 with cysteine.
Molecular consequence: missense variant.
Genome position (GRCh38, 1-based): chr11:9,816,995, G>A on the plus strand (C>T on the coding strand, the complement: SBF2 is on the minus strand). VCF-style: chr11-9816995-G-A. GRCh37 (hg19) VCF-style: chr11-9838542-G-A.
Other names: p.Arg1275Cys; c.3919C>T, p.Arg1307Cys (NM_001386339.1); c.3694C>T, p.Arg1232Cys (NM_001386342.1); short protein forms R1307C, R1275C, R1232C.
Identifiers: ClinVar variation 1404931 (VCV001404931.7), dbSNP rs956737183, ClinGen allele CA217624566.